The following is an entry in ClinVar:

NM_000057.4(BLM):c.409A>G (p.Lys137Glu)

Gene: BLM (BLM RecQ like helicase; plus strand). Cytogenetic location: 15q26.1.
Variant type: single nucleotide variant.
Coding change: c.409A>G on transcript NM_000057.4 (MANE Select); coding-DNA position 409, A replaced by G.
Protein change: p.Lys137Glu; replaces lysine 137 with glutamic acid.
Molecular consequence: missense variant. On other transcripts: 5 prime UTR variant (1).
Genome position (GRCh38, 1-based): chr15:90,749,677, A>G. VCF-style: chr15-90749677-A-G. GRCh37 (hg19) VCF-style: chr15-91292907-A-G.
Other names: c.409A>G, p.Lys137Glu (NM_001287246.2, NM_001287247.2); c.-883A>G (NM_001287248.2); short protein forms K137E.
Identifiers: ClinVar variation 824588 (VCV000824588.6), dbSNP rs890597009, ClinGen allele CA274728060.

ClinVar aggregate classification (germline): Uncertain significance. Review status: criteria provided, multiple submitters, no conflicts (2 of 4 stars). 2 submissions from 2 submitters: Uncertain significance (2). Last evaluated 2024-09-08.

Conditions:
Hereditary cancer-predisposing syndrome. Also called: Neoplastic Syndromes, Hereditary; Tumor predisposition; Hereditary neoplastic syndrome; Hereditary Cancer Syndrome. Identifiers: Orphanet 140162, MedGen C0027672, MeSH D009386, MONDO:0015356.
Bloom syndrome (BLM). Also called: Bloom-Torre-Machacek syndrome. Identifiers: Orphanet 125, MedGen C0005859, MONDO:0008876, OMIM 210900.

Allele frequency attached by ClinVar (database versions not stated): gnomAD exomes below 0.00001.
gnomAD v4.1: 1 of 1,614,174 alleles (0.000062%); highest among the groups gnomAD compares: Non-Finnish European, 0.000085%; no homozygotes.

Submissions (2):

Labcorp Genetics (formerly Invitae), Labcorp
Classification: Uncertain significance for Bloom syndrome. Last evaluated: 2024-09-08. Review status: criteria provided, single submitter. Criteria: Invitae Variant Classification Sherloc (09022015). Collection method: clinical testing. Allele origin: germline.
Comment: This sequence change replaces lysine, which is basic and polar, with glutamic acid, which is acidic and polar, at codon 137 of the BLM protein (p.Lys137Glu). This variant is not present in population databases (gnomAD no frequency). This variant has not been reported in the literature in individuals affected with BLM-related conditions. ClinVar contains an entry for this variant (Variation ID: 824588). An algorithm developed to predict the effect of missense changes on protein structure and function (PolyPhen-2) suggests that this variant is likely to be disruptive. In summary, the available evidence is currently insufficient to determine the role of this variant in disease. Therefore, it has been classified as a Variant of Uncertain Significance.

Ambry Genetics
Classification: Uncertain significance for Hereditary cancer-predisposing syndrome. Last evaluated: 2019-11-11. Review status: criteria provided, single submitter. Criteria: Ambry Variant Classification Scheme 2023. Collection method: clinical testing. Allele origin: germline.
Comment: The p.K137E variant (also known as c.409A>G), located in coding exon 2 of the BLM gene, results from an A to G substitution at nucleotide position 409. The lysine at codon 137 is replaced by glutamic acid, an amino acid with similar properties. This amino acid position is highly conserved on limited sequence alignment. In addition, the in silico prediction for this alteration is inconclusive. Since supporting evidence is limited at this time, the clinical significance of this alteration remains unclear.